The following is an entry in ClinVar:

NM_014806.5(RUSC2):c.4534G>A (p.Gly1512Arg)

Gene: RUSC2 (RUN and SH3 domain containing 2; plus strand). Cytogenetic location: 9p13.3.
Variant type: single nucleotide variant.
Coding change: c.4534G>A on transcript NM_014806.5 (MANE Select); coding-DNA position 4534, G replaced by A.
Protein change: p.Gly1512Arg; replaces glycine 1512 with arginine.
Molecular consequence: missense variant. On other transcripts: non-coding transcript variant (1).
Genome position (GRCh38, 1-based): chr9:35,561,365, G>A. VCF-style: chr9-35561365-G-A. GRCh37 (hg19) VCF-style: chr9-35561362-G-A.
Other names: c.4534G>A, p.Gly1512Arg (NM_001135999.2); c.1900G>A, p.Gly634Arg (NM_001330740.2); c.4534G>A (NM_001135999.1); short protein forms G1512R, G634R.
Identifiers: ClinVar variation 1936043 (VCV001936043.4), dbSNP rs757444855, ClinGen allele CA5044433.

ClinVar aggregate classification (germline): Uncertain significance. Review status: criteria provided, multiple submitters, no conflicts (2 of 4 stars). 2 submissions from 2 submitters: Uncertain significance (2). Last evaluated 2025-12-15.

Allele frequency attached by ClinVar (database versions not stated): ExAC 0.00005; gnomAD exomes 0.00005; gnomAD 0.00006; TOPMed 0.00006.
gnomAD v4.1: 88 of 1,612,506 alleles (0.0055%); highest among the groups gnomAD compares: Middle Eastern, 0.033%; no homozygotes.

Submissions (2):

Labcorp Genetics (formerly Invitae), Labcorp
Classification: Uncertain significance. Last evaluated: 2025-12-15. Review status: criteria provided, single submitter. Criteria: Invitae Variant Classification Sherloc (09022015). Collection method: clinical testing. Allele origin: germline.
Comment: This sequence change replaces glycine, which is neutral and non-polar, with arginine, which is basic and polar, at codon 1512 of the RUSC2 protein (p.Gly1512Arg). This variant is present in population databases (rs757444855, gnomAD 0.006%). This variant has not been reported in the literature in individuals affected with RUSC2-related conditions. ClinVar contains an entry for this variant (Variation ID: 1936043). An algorithm developed to predict the effect of missense changes on protein structure and function outputs the following: PolyPhen-2: "Not Available". The arginine amino acid residue is found in multiple mammalian species, which suggests that this missense change does not adversely affect protein function. In summary, the available evidence is currently insufficient to determine the role of this variant in disease. Therefore, it has been classified as a Variant of Uncertain Significance.

Ambry Genetics
Classification: Uncertain significance. Last evaluated: 2024-10-01. Review status: criteria provided, single submitter. Criteria: Ambry Variant Classification Scheme 2023. Collection method: clinical testing. Allele origin: germline.